The following is an entry in ClinVar:

ClinVar aggregate classification (germline): Likely pathogenic (1 of 4 stars; one submission).

Conditions:
Moyamoya disease 2 (MYMY2). Also called: MOYAMOYA DISEASE 2, SUSCEPTIBILITY TO. Identifiers: Orphanet 2573, MedGen C1846689, MONDO:0011784, OMIM 607151.

Submission:

Laboratory of Medical Genetics, National & Kapodistrian University of Athens
Classification: Likely pathogenic for Moyamoya disease 2. Last evaluated: 2018-09-10. Review status: criteria provided, single submitter. Criteria: ACMG Guidelines, 2015. Collection method: clinical testing. Allele origin: germline. Affected: yes.
Comment: PM1, PM2, PP3, PP4

NM_001256071.3(RNF213):c.12059G>T (p.Cys4020Phe)

Genes: RNF213 (ring finger protein 213; plus strand), RNF213-AS1 (RNF213 antisense RNA 1; minus strand). Cytogenetic location: 17q25.3.
Variant type: single nucleotide variant.
Coding change: c.12059G>T on transcript NM_001256071.3 (MANE Select); coding-DNA position 12059, G replaced by T.
Protein change: p.Cys4020Phe; replaces cysteine 4020 with phenylalanine.
Molecular consequence: missense variant.
Genome position (GRCh38, 1-based): chr17:80,368,047, G>T. VCF-style: chr17-80368047-G-T. GRCh37 (hg19) VCF-style: chr17-78341847-G-T.
Other names: short protein forms C4020F.
Identifiers: ClinVar variation 637049 (VCV000637049.1), dbSNP rs1599150380, ClinGen allele CA401409129.